The following is an entry in ClinVar:

NM_001267550.2(TTN):c.54110G>A (p.Arg18037Gln)

Genes: TTN (titin; minus strand), TTN-AS1 (TTN antisense RNA 1; plus strand). Cytogenetic location: 2q31.2.
Variant type: single nucleotide variant.
Coding change: c.54110G>A on transcript NM_001267550.2 (MANE Select); coding-DNA position 54110, G replaced by A.
Protein change: p.Arg18037Gln; replaces arginine 18037 with glutamine.
Molecular consequence: missense variant. On other transcripts: non-coding transcript variant (1).
Genome position (GRCh38, 1-based): chr2:178,605,067, C>T on the plus strand (G>A on the coding strand, the complement: TTN is on the minus strand). VCF-style: chr2-178605067-C-T. GRCh37 (hg19) VCF-style: chr2-179469794-C-T.
Other names: c.49187G>A, p.Arg16396Gln (NM_001256850.1); c.26915G>A, p.Arg8972Gln (NM_003319.4); c.46406G>A, p.Arg15469Gln (NM_133378.4); c.27290G>A, p.Arg9097Gln (NM_133432.3); c.27491G>A, p.Arg9164Gln (NM_133437.4); short protein forms R18037Q, R15469Q, R9097Q, R16396Q, R9164Q, R8972Q.
Identifiers: ClinVar variation 597838 (VCV000597838.8), dbSNP rs541688627, ClinGen allele CA1993697.

ClinVar aggregate classification (germline): Uncertain significance. Review status: criteria provided, multiple submitters, no conflicts (2 of 4 stars). 4 submissions from 4 submitters: Uncertain significance (4). Last evaluated 2026-09-05.

Conditions:
TTN-related disorder. Also called: TTN-related condition; TTN-related disease; TTN-related disorders.

Allele frequency attached by ClinVar (database versions not stated): gnomAD exomes 0.00001 and 0.00002; ExAC 0.00003; gnomAD 0.00006 and 0.00007; TOPMed 0.00014; 1000 Genomes Project 30x 0.00016; 1000 Genomes Project 0.00020.
gnomAD v4.1: 29 of 1,612,494 alleles (0.0018%); highest among the groups gnomAD compares: Admixed American, 0.022%; 1 homozygote.

Submissions (4):

PreventionGenetics, part of Exact Sciences
Classification: Uncertain significance for TTN-related condition. Last evaluated: 2026-09-05. Review status: criteria provided, single submitter. Criteria: ACMG Guidelines, 2015. Collection method: clinical testing. Allele origin: germline.
Comment: The TTN c.54110G>A variant is predicted to result in the amino acid substitution p.Arg18037Gln. To our knowledge, this variant has not been reported in the literature. This variant is reported in 0.0065% of alleles in individuals of South Asian descent in gnomAD. At this time, the clinical significance of this variant is uncertain due to the absence of conclusive functional and genetic evidence.

Women's Health and Genetics/Laboratory Corporation of America, LabCorp
Classification: Uncertain significance. Last evaluated: 2025-11-26. Review status: criteria provided, single submitter. Criteria: LabCorp Variant Classification Summary - May 2015. Collection method: clinical testing. Allele origin: germline.
Comment: Variant summary: TTN c.46406G>A (p.Arg15469Gln) results in a conservative amino acid change in the encoded protein sequence. Algorithms developed to predict the effect of missense changes on protein structure and function are either unavailable or do not agree on the potential impact of this missense change. The variant allele was found at a frequency of 2e-05 in 247622 control chromosomes. The available data on variant occurrences in the general population are insufficient to allow any conclusion about variant significance. To our knowledge, no occurrence of c.46406G>A in individuals affected with TTN-related conditions and no experimental evidence demonstrating its impact on protein function have been reported. ClinVar contains an entry for this variant (Variation ID: 597838). Based on the evidence outlined above, the variant was classified as uncertain significance.

Revvity Omics, Revvity
Classification: Uncertain significance. Last evaluated: 2025-04-03. Review status: criteria provided, single submitter. Criteria: ACMG Guidelines, 2015. Collection method: clinical testing. Allele origin: germline.

Eurofins Ntd Llc (ga)
Classification: Uncertain significance. Last evaluated: 2018-07-03. Review status: criteria provided, single submitter. Criteria: EGL ClinVar v180209 classification definitions. Collection method: clinical testing. Allele origin: germline. Observed: 1 variant allele, 1 heterozygote.